The following continues an entry in ClinVar:

NM_002541.4(OGDH):c.1188C>T (p.Gly396=)

Gene: OGDH. ClinVar aggregate classification (germline): Benign/Likely benign. Benign (1); Likely benign (2).

Submissions 32 to 42 of 42:

Dr. Peter K. Rogan Lab, Western University
No classification provided (evidence only). Condition: Ovarian serous cystadenocarcinoma. Review status: no classification provided. Collection method: in vitro. Allele origin: not applicable. Functional consequence: retained intron. Not counted in ClinVar's aggregate classification.

Dr. Peter K. Rogan Lab, Western University
No classification provided (evidence only). Condition: Ovarian serous cystadenocarcinoma. Review status: no classification provided. Collection method: in vitro. Allele origin: not applicable. Functional consequence: retained intron. Not counted in ClinVar's aggregate classification.

Dr. Peter K. Rogan Lab, Western University
No classification provided (evidence only). Condition: Ovarian serous cystadenocarcinoma. Review status: no classification provided. Collection method: in vitro. Allele origin: not applicable. Functional consequence: retained intron. Not counted in ClinVar's aggregate classification.

Dr. Peter K. Rogan Lab, Western University
No classification provided (evidence only). Condition: Gastric cancer. Review status: no classification provided. Collection method: in vitro. Allele origin: not applicable. Functional consequence: retained intron. Not counted in ClinVar's aggregate classification.

Dr. Peter K. Rogan Lab, Western University
No classification provided (evidence only). Condition: Gastric cancer. Review status: no classification provided. Collection method: in vitro. Allele origin: not applicable. Functional consequence: retained intron. Not counted in ClinVar's aggregate classification.

Dr. Peter K. Rogan Lab, Western University
No classification provided (evidence only). Condition: Gastric cancer. Review status: no classification provided. Collection method: in vitro. Allele origin: not applicable. Functional consequence: retained intron. Not counted in ClinVar's aggregate classification.

Dr. Peter K. Rogan Lab, Western University
No classification provided (evidence only). Condition: Gastric cancer. Review status: no classification provided. Collection method: in vitro. Allele origin: not applicable. Functional consequence: retained intron. Not counted in ClinVar's aggregate classification.

Dr. Peter K. Rogan Lab, Western University
No classification provided (evidence only). Condition: Gastric cancer. Review status: no classification provided. Collection method: in vitro. Allele origin: not applicable. Functional consequence: retained intron. Not counted in ClinVar's aggregate classification.

Dr. Peter K. Rogan Lab, Western University
No classification provided (evidence only). Condition: Gastric cancer. Review status: no classification provided. Collection method: in vitro. Allele origin: not applicable. Functional consequence: retained intron. Not counted in ClinVar's aggregate classification.

Dr. Peter K. Rogan Lab, Western University
No classification provided (evidence only). Condition: Malignant tumor of esophagus. Review status: no classification provided. Collection method: in vitro. Allele origin: not applicable. Functional consequence: retained intron. Not counted in ClinVar's aggregate classification.

Dr. Peter K. Rogan Lab, Western University
No classification provided (evidence only). Condition: Malignant tumor of esophagus. Review status: no classification provided. Collection method: in vitro. Allele origin: not applicable. Functional consequence: retained intron. Not counted in ClinVar's aggregate classification.